The following is an entry in ClinVar:

ClinVar aggregate classification (germline): Pathogenic/Likely pathogenic. Review status: criteria provided, multiple submitters, no conflicts (2 of 4 stars). 13 submissions from 13 submitters: Pathogenic (10); Likely pathogenic (2). 1 of the submissions does not count toward it. Last evaluated 2026-01-13.

Conditions:
MRE11-related disorder. Also called: MRE11-related condition.
MRE11A-related disorders.
Ataxia-telangiectasia-like disorder (ATLD). Identifiers: MedGen C1858391, MONDO:0011457.
Hereditary cancer-predisposing syndrome. Also called: Tumor predisposition; Hereditary neoplastic syndrome; Hereditary Cancer Syndrome; Neoplastic Syndromes, Hereditary. Identifiers: Orphanet 140162, MedGen C0027672, MeSH D009386, MONDO:0015356.
Hereditary breast ovarian cancer syndrome. Also called: Hereditary breast and ovarian cancer; Hereditary breast and/or ovarian cancer syndrome; BRCA1- and BRCA2-Associated Hereditary Breast and Ovarian Cancer; Hereditary breast and ovarian cancer syndrome (HBOC); Hereditary breast and ovarian cancer syndrome; Breast and ovarian cancer. Identifiers: Orphanet 145, MedGen C0677776, MeSH D061325, MONDO:0003582. Disease mechanism: loss of function.
Ataxia-telangiectasia-like disorder 1 (ATLD1). Identifiers: Orphanet 251347, MedGen C4012790, MONDO:0024557, OMIM 604391.

Allele frequency attached by ClinVar (database versions not stated): TOPMed 0.00002; ESP Exome Variant Server 0.00008.
gnomAD v4.1: 80 of 1,611,580 alleles (0.005%); highest among the groups gnomAD compares: South Asian, 0.018%; no homozygotes.

Submissions (13):

Variantyx, Inc.
Classification: Likely pathogenic for Ataxia-telangiectasia-like disorder 1. Last evaluated: 2026-01-13. Review status: criteria provided, single submitter. Criteria: Variantyx Assertion Criteria 2022. Collection method: clinical testing. Allele origin: germline. Inheritance: Autosomal recessive inheritance.
Comment: This is a nonsense variant in the MRE11 gene (OMIM: 600814). Pathogenic variants in this gene have been associated with autosomal recessive ataxia-telangiectasia-like disorder 1. This variant introduces a premature termination codon in exon 10 out of 20 and is expected to result in loss of function, which is a known disease mechanism for MRE11 in this disorder (PMID: 37808486, 23912341) (PVS1). This variant has a 0.0176% maximum allele frequency in non-founder control populations (PM2). It has been reported in at least one affected individual who carried a second variant in this gene; however, the phase of these variants could not be determined (PMID:37808486). Based on the current evidence, this variant is classified as likely pathogenic for autosomal recessive ataxia-telangiectasia-like disorder 1.

Labcorp Genetics (formerly Invitae), Labcorp
Classification: Pathogenic for Ataxia-telangiectasia-like disorder. Last evaluated: 2025-11-30. Review status: criteria provided, single submitter. Criteria: Invitae Variant Classification Sherloc (09022015). Collection method: clinical testing. Allele origin: germline.
Comment: This sequence change creates a premature translational stop signal (p.Arg364*) in the MRE11 gene. It is expected to result in an absent or disrupted protein product. Loss-of-function variants in MRE11 are known to be pathogenic (PMID: 23080121, 23912341). This variant is present in population databases (rs371077728, gnomAD 0.03%). This premature translational stop signal has been observed in individual(s) with hereditary cancer (PMID: 24763289). ClinVar contains an entry for this variant (Variation ID: 140953). For these reasons, this variant has been classified as Pathogenic.

First Genomix Gene Laboratory, Genetic Diagnostics Department
Classification: Pathogenic for Ataxia-telangiectasia-like disorder 1. Last evaluated: 2025-03-21. Review status: criteria provided, single submitter. Criteria: ACMG Guidelines, 2015. Collection method: clinical testing. Allele origin: germline. Inheritance: Autosomal recessive inheritance. Affected: no. Observed: 1 variant allele.

PreventionGenetics, part of Exact Sciences
Classification: Pathogenic for MRE11-related condition. Last evaluated: 2024-12-23. Review status: criteria provided, single submitter. Criteria: ACMG Guidelines, 2015. Collection method: clinical testing. Allele origin: germline.
Comment: The MRE11 c.1090C>T variant is predicted to result in premature protein termination (p.Arg364*). This variant has been reported in patients with breast cancer or colorectal cancer (reported as p.Arg367X in Maxwell et al. 2016. PubMed ID: 27153395; AlDubayan et al. 2018. PubMed ID: 29478780). This variant is reported in 0.026% of alleles in individuals of South Asian descent in gnomAD and is interpreted as pathogenic in ClinVar. Nonsense variants in MRE11 are expected to be pathogenic. This variant is interpreted as pathogenic.

CeGaT Center for Human Genetics Tuebingen
Classification: Pathogenic. Last evaluated: 2024-09-01. Review status: criteria provided, single submitter. Criteria: CeGaT Center For Human Genetics Tuebingen Variant Classification Criteria Version 2. Collection method: clinical testing. Allele origin: germline. Affected: yes. Observed: 2 variant alleles.
Comment: MRE11: PVS1, PM2, PM3:Supporting

Quest Diagnostics Nichols Institute San Juan Capistrano
Classification: Pathogenic. Last evaluated: 2024-07-29. Review status: criteria provided, single submitter. Criteria: Quest Diagnostics criteria. Collection method: clinical testing. Allele origin: unknown.
Comment: The MRE11 c.1090C>T (p.Arg364*) variant causes the premature termination of MRE11 protein synthesis. This variant has been reported in the published literature in individuals with breast cancer (PMID: 28559769 (2017), 25503501 (2015), 24763289 (2014)), and in an individual with ataxia-telangiectasia-like disorder (PMID: 37808486 (2023)). The frequency of this variant in the general population, 0.00026 (8/30610 chromosomes (Genome Aggregation Database)), is consistent with pathogenicity. Based on the available information, this variant is classified as pathogenic.

Baylor Genetics
Classification: Pathogenic for Ataxia-telangiectasia-like disorder 1. Last evaluated: 2024-03-03. Review status: criteria provided, single submitter. Criteria: ACMG Guidelines, 2015. Collection method: clinical testing. Allele origin: unknown.

New York Genome Center
Classification: Pathogenic for Ataxia-telangiectasia-like disorder 1. Last evaluated: 2023-02-01. Review status: criteria provided, single submitter. Criteria: NYGC Assertion Criteria 2020. Collection method: clinical testing. Allele origin: inherited. Affected: yes. Observed: 1 compound heterozygote. Study: PrenatalSEQ.
Comment: The inherited c.1090C>T, p.(Arg364Ter) variant identified in the MRE11 gene is a nonsense variant leading to the premature termination of the protein at amino acid 364/709 (exon 10/20), and is expected to undergo nonsense mediated decay. This variant occurs upstream of the Helix-Loop-Helix and GAR domains of MRE11 which include regions that are critical for both RAD50 and DNA binding (for Review, [PMID:36358700]). This variant is found with low frequency in population databases (gnomADv3.1.2, gnomADv2.1.1, BRAVO-TOPMed and All of Us) with highest allele frequency of 5.2e-5 (14 heterozygotes; 0 homozygotes, gnomADv2.1.1). The c.1090C>T, p.(Arg364Ter) variant is reported in ClinVar as Pathogenic (VarID:140953; 2 stars, 5 submissions, no conflicts) and has been reported in the literature in individuals with hereditary cancer predisposition [PMID:24763289, 25503501, 27153395, 28559769]. Additional nonsense and frameshift variants downstream of the one identified here have also been reported in ClinVar as Pathogenic (VarIDs:8782, 1681558, 820257, 481748, others), and reported in individuals with Ataxia-Telangiectasia-like Disorder [PMID:33426167, 11371508]. The inherited c.1090C>T, p.(Arg364Ter) variant identified in the MRE11 gene is reported here as Pathogenic.

Ambry Genetics
Classification: Pathogenic for Hereditary cancer-predisposing syndrome. Last evaluated: 2022-12-12. Review status: criteria provided, single submitter. Criteria: Ambry Variant Classification Scheme 2023. Collection method: clinical testing. Allele origin: germline.
Comment: The p.R364* pathogenic mutation (also known as c.1090C>T), located in coding exon 9 of the MRE11A gene, results from a C to T substitution at nucleotide position 1090. This changes the amino acid from an arginine to a stop codon within coding exon 9. This mutation was reported in an individual with a personal and family history breast cancer (Maxwell KN et al. Genet. Med. 2015 Aug; 17(8):630-8). In addition to the clinical data presented in the literature, this alteration is expected to result in loss of function by premature protein truncation or nonsense-mediated mRNA decay. As such, this alteration is interpreted as a disease-causing mutation.

Women's Health and Genetics/Laboratory Corporation of America, LabCorp
Classification: Pathogenic for Hereditary breast ovarian cancer syndrome. Last evaluated: 2022-12-05. Review status: criteria provided, single submitter. Criteria: LabCorp Variant Classification Summary - May 2015. Collection method: clinical testing. Allele origin: germline.
Comment: Variant summary: MRE11 c.1090C>T (p.Arg364X) results in a premature termination codon, predicted to cause a truncation of the encoded protein or absence of the protein due to nonsense mediated decay, which are commonly known mechanisms for disease. Truncations downstream of this position have been classified as pathogenic by our laboratory. The variant allele was found at a frequency of 5.2e-05 in 251384 control chromosomes (gnomAD). This frequency is not higher than the estimated maximum expected for a pathogenic variant in MRE11 causing Hereditary Breast and Ovarian Cancer (HBOC) Syndrome (6.3e-05). The variant, c.1090C>T, has been reported in the literature in several individuals affected with HBOC and other tumor phenotypes (e.g. LaDuca_2014, Sharma Bhai_2017, Maxwell_2017, Hartman_2020, Zhou_2020, and Walsh_2021). These data indicate that the variant is very likely to be associated with disease. To our knowledge, no experimental evidence demonstrating an impact on protein function has been reported. Five clinical diagnostic laboratories have submitted clinical-significance assessments for this variant to ClinVar after 2014, and all laboratories classified the variant as pathogenic. Based on the evidence outlined above, the variant was classified as pathogenic.

Blueprint Genetics
Classification: Likely pathogenic for MRE11A-related disorders. Last evaluated: 2021-06-15. Review status: criteria provided, single submitter. Criteria: ACMG Guidelines, 2015. Collection method: clinical testing. Allele origin: germline. Affected: yes. Observed: 1 variant allele.

Revvity Omics, Revvity
Classification: Pathogenic for Ataxia-telangiectasia-like disorder 1. Last evaluated: 2019-07-09. Review status: criteria provided, single submitter. Criteria: ACMG Guidelines, 2015. Collection method: clinical testing. Allele origin: germline.

Counsyl
Classification: Pathogenic for Ataxia-telangiectasia-like disorder 1. Last evaluated: 2017-08-03. Review status: no assertion criteria provided. Collection method: clinical testing. Allele origin: unknown. Not counted in ClinVar's aggregate classification.

Literature cited by the submitters: PubMed 37808486 (cited by Variantyx, Inc. and Quest Diagnostics Nichols Institute San Juan Capistrano); PubMed 23912341 (cited by Variantyx, Inc. and Labcorp Genetics (formerly Invitae), Labcorp); PubMed 23080121 (cited by Labcorp Genetics (formerly Invitae), Labcorp); PubMed 24763289 (cited by 5 submitters); PubMed 28559769 (cited by 4 submitters); PubMed 27153395 (cited by 3 submitters); PubMed 25503501 (cited by 3 submitters); PubMed 33426167 (cited by New York Genome Center); PubMed 11371508 (cited by New York Genome Center); PubMed 29478780 (cited by Women's Health and Genetics/Laboratory Corporation of America, LabCorp); PubMed 33479248 (cited by Women's Health and Genetics/Laboratory Corporation of America, LabCorp); PubMed 32521533 (cited by Women's Health and Genetics/Laboratory Corporation of America, LabCorp).

NM_005591.4(MRE11):c.1090C>T (p.Arg364Ter)

Gene: MRE11 (MRE11 double strand break repair nuclease; minus strand). Cytogenetic location: 11q21.
Variant type: single nucleotide variant.
Coding change: c.1090C>T on transcript NM_005591.4 (MANE Select); coding-DNA position 1090, C replaced by T.
Protein change: p.Arg364Ter; replaces arginine 364 with a stop codon.
Molecular consequence: nonsense.
Genome position (GRCh38, 1-based): chr11:94,467,821, G>A on the plus strand (C>T on the coding strand, the complement: MRE11 is on the minus strand). VCF-style: chr11-94467821-G-A. GRCh37 (hg19) VCF-style: chr11-94200987-G-A.
Other names: c.1090C>T, p.Arg364Ter (NM_001330347.2, NM_005590.4); short protein forms R364*.
Identifiers: ClinVar variation 140953 (VCV000140953.69), dbSNP rs371077728, ClinGen allele CA333173.